The following is an entry in ClinVar:

ClinVar aggregate classification (germline): Likely pathogenic (1 of 4 stars; one submission).

Conditions:
Congenital myasthenic syndrome 9. Also called: Myasthenic syndrome, congenital, 9, associated with acetylcholine receptor deficiency. Identifiers: Orphanet 590, MedGen C4225368, MONDO:0014587, OMIM 616325.
Fetal akinesia deformation sequence 1 (FADS1). Also called: Fetal akinesia sequence; Pena-Shokeir syndrome type I. Identifiers: Orphanet 994, MedGen C1276035, MONDO:0100101, OMIM 208150, HP:0001989.

Submission:

Labcorp Genetics (formerly Invitae), Labcorp
Classification: Likely pathogenic for Congenital myasthenic syndrome 9; Fetal akinesia deformation sequence 1. Last evaluated: 2025-04-28. Review status: criteria provided, single submitter. Criteria: Invitae Variant Classification Sherloc (09022015). Collection method: clinical testing. Allele origin: germline.
Comment: This sequence change affects an acceptor splice site in intron 9 of the MUSK gene. It is expected to disrupt RNA splicing. Variants that disrupt the donor or acceptor splice site typically lead to a loss of protein function (PMID: 16199547), and loss-of-function variants in MUSK are known to be pathogenic (PMID: 8653786, 25612909, 25695962, 25900532). This variant is not present in population databases (gnomAD no frequency). This variant has not been reported in the literature in individuals affected with MUSK-related conditions. Algorithms developed to predict the effect of sequence changes on RNA splicing suggest that this variant may disrupt the consensus splice site. In summary, the currently available evidence indicates that the variant is pathogenic, but additional data are needed to prove that conclusively. Therefore, this variant has been classified as Likely Pathogenic.

Literature cited by the submitters: PubMed 16199547; PubMed 8653786; PubMed 25612909; PubMed 25695962; PubMed 25900532.

NM_005592.4(MUSK):c.1185-1G>A

Gene: MUSK (muscle associated receptor tyrosine kinase; plus strand). Cytogenetic location: 9q31.3.
Variant type: single nucleotide variant.
Coding change: c.1185-1G>A on transcript NM_005592.4 (MANE Select); the canonical splice acceptor site of the intron before coding-DNA position 1185, G replaced by A.
Molecular consequence: splice acceptor variant.
Genome position (GRCh38, 1-based): chr9:110,775,787, G>A. VCF-style: chr9-110775787-G-A. GRCh37 (hg19) VCF-style: chr9-113538067-G-A.
Other names: c.951-1G>A (NM_001166280.2); c.921-1G>A (NM_001166281.2); c.-52-1G>A (NM_001369398.1).
Identifiers: ClinVar variation 4784862 (VCV004784862.1).
Genomic context (GRCh38, chr9:110,775,787, plus strand): 5'-CCACAAATTTGCTTTAACATGTAATGATTCATCAAGTTTTGTTCTCCATATACTATTTTA[G>A]AGAGTACTGCTTGGCAGTAAAGGAGCTCTTCTGCGCAAAAGAATGGCTGGTAATGGAAGA-3'